The following is an entry in ClinVar:

ClinVar aggregate classification (germline): Uncertain significance (1 of 4 stars; one submission).

Conditions:
Gorlin syndrome. Also called: Basal cell nevus syndrome; Nevoid Basal Cell Carcinoma Syndrome. Identifiers: Orphanet 377, MedGen C0004779, MONDO:0007187.

Submission:

Labcorp Genetics (formerly Invitae), Labcorp
Classification: Uncertain significance for Gorlin syndrome. Last evaluated: 2023-05-18. Review status: criteria provided, single submitter. Criteria: Invitae Variant Classification Sherloc (09022015). Collection method: clinical testing. Allele origin: germline.
Comment: This sequence change replaces glutamine, which is neutral and polar, with arginine, which is basic and polar, at codon 808 of the PTCH1 protein (p.Gln808Arg). This variant is not present in population databases (gnomAD no frequency). In summary, the available evidence is currently insufficient to determine the role of this variant in disease. Therefore, it has been classified as a Variant of Uncertain Significance. Advanced modeling of protein sequence and biophysical properties (such as structural, functional, and spatial information, amino acid conservation, physicochemical variation, residue mobility, and thermodynamic stability) performed at Invitae indicates that this missense variant is not expected to disrupt PTCH1 protein function. This variant has not been reported in the literature in individuals affected with PTCH1-related conditions.

NM_000264.5(PTCH1):c.2423A>G (p.Gln808Arg)

Genes: PTCH1 (patched 1; minus strand), LOC100507346 (uncharacterized LOC100507346; plus strand). Cytogenetic location: 9q22.32.
Variant type: single nucleotide variant.
Coding change: c.2423A>G on transcript NM_000264.5 (MANE Select); coding-DNA position 2423, A replaced by G.
Protein change: p.Gln808Arg; replaces glutamine 808 with arginine.
Molecular consequence: missense variant. On other transcripts: non-coding transcript variant (1).
Genome position (GRCh38, 1-based): chr9:95,467,253, T>C on the plus strand (A>G on the coding strand, the complement: PTCH1 is on the minus strand). VCF-style: chr9-95467253-T-C. GRCh37 (hg19) VCF-style: chr9-98229535-T-C.
Other names: c.2225A>G, p.Gln742Arg (NM_001083602.3); c.2420A>G, p.Gln807Arg (NM_001083603.3); c.1970A>G, p.Gln657Arg (NM_001083604.3, NM_001083605.3, NM_001083606.3 and 1 more transcripts); c.2267A>G, p.Gln756Arg (NM_001354918.2); short protein forms Q742R, Q807R, Q657R, Q808R, Q756R.
Identifiers: ClinVar variation 2865331 (VCV002865331.3), dbSNP rs2538131212, ClinGen allele CA374114243.
Genomic context (GRCh38, chr9:95,467,253, plus strand): 5'-TTACTGAAACTCCTGTGTAGGTCGTAAAGTAAGTGCTGGATATTCGGGTAGTCTGCTTTC[T>C]GGGTGACTATATACATGTTGTAGAAAGAAAAGTATTTGAATTGTGCAGCAATAAAGTCAT-3'
Protein context (NP_000255.2, residues 798-818): FSFYNMYIVT[Gln808Arg]KADYPNIQHL